The following is an entry in ClinVar:

NM_000260.4(MYO7A):c.5566_5577del (p.Arg1856_Gln1859del)

Gene: MYO7A (myosin VIIA; plus strand). Cytogenetic location: 11q13.5.
Variant type: Deletion.
Coding change: c.5566_5577del on transcript NM_000260.4 (MANE Select); coding-DNA positions 5566 to 5577, 12 bases deleted (CGCTTCCTGCAG).
Protein change: p.Arg1856_Gln1859del.
Molecular consequence: inframe deletion.
Genome position (GRCh38, 1-based): chr11:77,205,547-77,205,558, CGCTTCCTGCAG deleted; deleting any 12 consecutive bases within chr11:77,205,542-77,205,558 gives the same sequence; the c. name uses the placement nearest the transcript's 3' end. VCF-style (leftmost placement, unchanged base first): chr11-77205541-GTGCAGCGCTTCC-G. GRCh37 (hg19) VCF-style: chr11-76916586-GTGCAGCGCTTCC-G.
Other names: NC_000011.9:g.76916592_76916603del; NP_000251.3:p.(Arg1856_Gln1859del); c.5452_5463del, p.Arg1818_Gln1821del (NM_001127180.2); c.5419_5430del, p.Arg1807_Gln1810del (NM_001369365.1).
Identifiers: ClinVar variation 3381809 (VCV003381809.3).

ClinVar aggregate classification (germline): Conflicting classifications of pathogenicity. Review status: criteria provided, conflicting classifications (1 of 4 stars). 2 submissions from 2 submitters: Likely pathogenic (1); Uncertain significance (1). Last evaluated 2024-10-16.

Conditions:
Retinal dystrophy. Also called: Inherited retinal dystrophy. Identifiers: Orphanet 71862, MedGen C0854723, MeSH D058499, MONDO:0019118, HP:0000556.

Submissions (2):

Blueprint Genetics
Classification: Uncertain significance. Last evaluated: 2024-10-16. Review status: criteria provided, single submitter. Criteria: ACMG Guidelines, 2015. Collection method: clinical testing. Allele origin: germline.

Ophthalmic Genetics Group, Institute of Molecular and Clinical Ophthalmology Basel
Classification: Likely pathogenic for Retinal dystrophy. Last evaluated: 2024-05-27. Review status: criteria provided, single submitter. Criteria: ACMG Guidelines, 2015. Collection method: research. Allele origin: germline. Affected: yes. Observed: 2 variant alleles.
Comment: This variant was classified as Likely pathogenic based on ACMG criteria: PM1_mod, PM2_mod, PM4_mod and PP1_strong

Literature cited by the submitters: PubMed 40180963 (cited by Ophthalmic Genetics Group, Institute of Molecular and Clinical Ophthalmology Basel).